The following is an entry in ClinVar:

NC_000012.12:g.121626803G>T

Genes: ORAI1 (ORAI calcium release-activated calcium modulator 1; plus strand), LOC130008987 (ATAC-STARR-seq lymphoblastoid silent region 4981; plus strand). Cytogenetic location: 12q24.31.
Variant type: single nucleotide variant.
Genome position: GRCh38 VCF-style: chr12-121626803-G-T. GRCh37 (hg19) VCF-style: chr12-122064708-G-T.
Other names: c.61G>T, p.Gly21Cys (NM_032790.4); short protein forms G21C.
Identifiers: ClinVar variation 2161001 (VCV002161001.8), dbSNP rs1451886623, ClinGen allele CA386980373.

ClinVar aggregate classification (germline): Uncertain significance. Review status: criteria provided, multiple submitters, no conflicts (2 of 4 stars). 2 submissions from 2 submitters: Uncertain significance (2). Last evaluated 2026-03-01.

Conditions:
Combined immunodeficiency due to ORAI1 deficiency. Also called: IMMUNODEFICIENCY 9. Identifiers: Orphanet 169090, Orphanet 317428, MedGen C2748568, MONDO:0013007, OMIM 612782.
Myopathy, tubular aggregate, 2 (TAM2). Identifiers: MedGen C4014557, MONDO:0014383, OMIM 615883.

Allele frequency attached by ClinVar (database versions not stated): gnomAD 0.00001.

Submissions (2):

CeGaT Center for Human Genetics Tuebingen
Classification: Uncertain significance. Last evaluated: 2026-03-01. Review status: criteria provided, single submitter. Criteria: CeGaT Center For Human Genetics Tuebingen Variant Classification Criteria Version 2. Collection method: clinical testing. Allele origin: germline. Affected: yes. Observed: 1 variant allele.

Labcorp Genetics (formerly Invitae), Labcorp
Classification: Uncertain significance for Myopathy, tubular aggregate, 2; Combined immunodeficiency due to ORAI1 deficiency. Last evaluated: 2025-08-06. Review status: criteria provided, single submitter. Criteria: Invitae Variant Classification Sherloc (09022015). Collection method: clinical testing. Allele origin: germline.
Comment: This sequence change replaces glycine, which is neutral and non-polar, with cysteine, which is neutral and slightly polar, at codon 21 of the ORAI1 protein (p.Gly21Cys). This variant is present in population databases (no rsID available, gnomAD 0.01%). This variant has not been reported in the literature in individuals affected with ORAI1-related conditions. ClinVar contains an entry for this variant (Variation ID: 2161001). Experimental studies and prediction algorithms are not available or were not evaluated, and the functional significance of this variant is currently unknown. In summary, the available evidence is currently insufficient to determine the role of this variant in disease. Therefore, it has been classified as a Variant of Uncertain Significance.